The following is an entry in ClinVar:

ClinVar aggregate classification (germline): Uncertain significance (1 of 4 stars; one submission).

Conditions:
Idiopathic generalized epilepsy. Also called: Generalised epilepsy; EIG. Identifiers: MedGen C0270850, MONDO:0005579, OMIM 600669.
Hyperaldosteronism, familial, type IV (HALD4). Also called: FH IV; ALDOSTERONISM, PRIMARY, AND HYPERTENSION. Identifiers: Orphanet 642671, MedGen C4310756, MONDO:0014875, OMIM 617027.

gnomAD v4.1: 7 of 1,549,488 alleles (0.00045%); highest among the groups gnomAD compares: South Asian, 0.0024%; no homozygotes.

Submission:

Labcorp Genetics (formerly Invitae), Labcorp
Classification: Uncertain significance for Idiopathic generalized epilepsy; Hyperaldosteronism, familial, type IV. Last evaluated: 2025-03-30. Review status: criteria provided, single submitter. Criteria: Invitae Variant Classification Sherloc (09022015). Collection method: clinical testing. Allele origin: germline.
Comment: This sequence change replaces arginine, which is basic and polar, with histidine, which is basic and polar, at codon 1819 of the CACNA1H protein (p.Arg1819His). This variant is not present in population databases (gnomAD no frequency). This variant has not been reported in the literature in individuals affected with CACNA1H-related conditions. Invitae Evidence Modeling of protein sequence and biophysical properties (such as structural, functional, and spatial information, amino acid conservation, physicochemical variation, residue mobility, and thermodynamic stability) indicates that this missense variant is expected to disrupt CACNA1H protein function with a positive predictive value of 80%. In summary, the available evidence is currently insufficient to determine the role of this variant in disease. Therefore, it has been classified as a Variant of Uncertain Significance.

NM_021098.3(CACNA1H):c.5456G>A (p.Arg1819His)

Gene: CACNA1H (calcium voltage-gated channel subunit alpha1 H; plus strand). Cytogenetic location: 16p13.3.
Variant type: single nucleotide variant.
Coding change: c.5456G>A on transcript NM_021098.3 (MANE Select); coding-DNA position 5456, G replaced by A.
Protein change: p.Arg1819His; replaces arginine 1819 with histidine.
Molecular consequence: missense variant.
Genome position (GRCh38, 1-based): chr16:1,218,220, G>A. VCF-style: chr16-1218220-G-A. GRCh37 (hg19) VCF-style: chr16-1268220-G-A.
Other names: c.5438G>A, p.Arg1813His (NM_001005407.2); short protein forms R1813H, R1819H.
Identifiers: ClinVar variation 4794538 (VCV004794538.1).